The following is an entry in ClinVar:

ClinVar aggregate classification (germline): Uncertain significance (1 of 4 stars; one submission).

Conditions:
Familial temporal lobe epilepsy 7. Identifiers: Orphanet 101046, MedGen C4225327, MONDO:0014639, OMIM 616436.
Norman-Roberts syndrome (LIS2). Also called: Lissencephaly 2 (Norman-Roberts type). Identifiers: Orphanet 89844, MedGen C0796089, MONDO:0009760, OMIM 257320.

Allele frequency attached by ClinVar (database versions not stated): gnomAD exomes below 0.00001; TOPMed below 0.00001.
gnomAD v4.1: 1 of 1,612,664 alleles (0.000062%); highest among the groups gnomAD compares: African/African-American, 0.0013%; no homozygotes.

Submission:

Labcorp Genetics (formerly Invitae), Labcorp
Classification: Uncertain significance for Familial temporal lobe epilepsy 7; Norman-Roberts syndrome. Last evaluated: 2022-01-13. Review status: criteria provided, single submitter. Criteria: Invitae Variant Classification Sherloc (09022015). Collection method: clinical testing. Allele origin: germline.
Comment: This variant is not present in population databases (gnomAD no frequency). This sequence change replaces glycine, which is neutral and non-polar, with arginine, which is basic and polar, at codon 579 of the RELN protein (p.Gly579Arg). Algorithms developed to predict the effect of missense changes on protein structure and function are either unavailable or do not agree on the potential impact of this missense change (SIFT: "Deleterious"; PolyPhen-2: "Probably Damaging"; Align-GVGD: "Class C15"). ClinVar contains an entry for this variant (Variation ID: 660953). This variant has not been reported in the literature in individuals affected with RELN-related conditions. In summary, the available evidence is currently insufficient to determine the role of this variant in disease. Therefore, it has been classified as a Variant of Uncertain Significance.

NM_005045.4(RELN):c.1735G>A (p.Gly579Arg)

Gene: RELN (reelin; minus strand). Cytogenetic location: 7q22.1.
Variant type: single nucleotide variant.
Coding change: c.1735G>A on transcript NM_005045.4 (MANE Select); coding-DNA position 1735, G replaced by A.
Protein change: p.Gly579Arg; replaces glycine 579 with arginine.
Molecular consequence: missense variant.
Genome position (GRCh38, 1-based): chr7:103,652,579, C>T on the plus strand (G>A on the coding strand, the complement: RELN is on the minus strand). VCF-style: chr7-103652579-C-T. GRCh37 (hg19) VCF-style: chr7-103293026-C-T.
Other names: c.1735G>A, p.Gly579Arg (NM_173054.3); short protein forms G579R.
Identifiers: ClinVar variation 660953 (VCV000660953.8), dbSNP rs1584378671, ClinGen allele CA368765359.
Genomic context (GRCh38, chr7:103,652,579, plus strand): 5'-GTTTTGCACACTTACAAAATAGGGCTTCCTACCTGTTACCAGGCTGATGCGTTCCACATC[C>T]CAGATTGATGGAAAACTGTATCATGTGAGACATTGTAGAAGGGAGAACAGGCAAGACATG-3'
Protein context (NP_005036.2, residues 569-589): SHMIQFSINL[Gly579Arg]CGTHQPGNSV